The following is an entry in ClinVar:

ClinVar aggregate classification (germline): Uncertain significance. Review status: criteria provided, multiple submitters, no conflicts (2 of 4 stars). 4 submissions from 4 submitters: Uncertain significance (4). Last evaluated 2023-12-05.

Conditions:
Multiple self-healing squamous epithelioma (MSSE). Also called: MULTIPLE SELF-HEALING SQUAMOUS EPITHELIOMA, SUSCEPTIBILITY TO. Identifiers: Orphanet 65748, MedGen C0546476, MONDO:0007566, OMIM 132800.
Loeys-Dietz syndrome 1 (LDS1). Also called: FURLONG SYNDROME; AORTIC ANEURYSM, FAMILIAL THORACIC 5; TGFBR1-Related Loeys-Dietz Syndrome. Identifiers: Orphanet 60030, MedGen C4551955, MONDO:0012212, OMIM 609192.
Familial thoracic aortic aneurysm and aortic dissection (TAAD). Also called: Thoracic aortic aneurysms and dissections. Identifiers: Orphanet 91387, MedGen C4707243, MONDO:0019625.

gnomAD v4.1: 4 of 1,613,960 alleles (0.00025%); highest among the groups gnomAD compares: South Asian, 0.0033%; no homozygotes.

Submissions (4):

Color Diagnostics, LLC DBA Color Health
Classification: Uncertain significance for Familial thoracic aortic aneurysm and aortic dissection. Last evaluated: 2023-12-05. Review status: criteria provided, single submitter. Criteria: ACMG Guidelines, 2015. Collection method: clinical testing. Allele origin: germline.
Comment: This synonymous variant does not change the amino acid sequence of the TGFBR1 protein. Splice site prediction tools suggest that this variant may impact RNA splicing. To our knowledge, functional studies have not been performed for this variant. This variant has not been reported in individuals affected with cardiovascular disorders in the literature. This variant has not been identified in the general population by the Genome Aggregation Database (gnomAD). The available evidence is insufficient to determine the role of this variant in disease conclusively. Therefore, this variant is classified as a Variant of Uncertain Significance.

Ambry Genetics
Classification: Uncertain significance for Familial thoracic aortic aneurysm and aortic dissection. Last evaluated: 2023-08-21. Review status: criteria provided, single submitter. Criteria: Ambry Variant Classification Scheme 2023. Collection method: clinical testing. Allele origin: germline.
Comment: The c.1065A>G variant (also known as p.A355A), located in coding exon 6 of the TGFBR1 gene, results from an A to G substitution at nucleotide position 1065. This nucleotide substitution does not change the alanine at codon 355. This nucleotide position is not well conserved in available vertebrate species. In silico splice site analysis predicts that this alteration will result in the creation or strengthening of a novel splice donor site. Since supporting evidence is limited at this time, the clinical significance of this alteration remains unclear.

Fulgent Genetics
Classification: Uncertain significance for Multiple self-healing squamous epithelioma; Loeys-Dietz syndrome 1. Last evaluated: 2021-10-25. Review status: criteria provided, single submitter. Criteria: ACMG Guidelines, 2015. Collection method: clinical testing. Allele origin: unknown.

GeneDx
Classification: Uncertain significance. Last evaluated: 2019-10-18. Review status: criteria provided, single submitter. Criteria: GeneDx Variant Classification Process June 2021. Collection method: clinical testing. Allele origin: germline. Affected: yes.
Comment: Has not been previously published as pathogenic or benign to our knowledge; Not observed at a significant frequency in large population cohorts (Lek et al., 2016); Reported in ClinVar (ClinVar Variant ID# 626775; Landrum et al., 2016); In silico analysis, which includes splice predictors and evolutionary conservation, suggests this variant may impact gene splicing; in the absence of RNA/functional studies, the actual effect of this sequence change is unknown; No TGFBR1 synonymous splicing variants are reported in HGMD in association with connective tissue disease (Stenson et al., 2014)

NM_004612.4(TGFBR1):c.1065A>G (p.Ala355=)

Gene: TGFBR1 (transforming growth factor beta receptor 1; plus strand). Cytogenetic location: 9q22.33.
Variant type: single nucleotide variant.
Coding change: c.1065A>G on transcript NM_004612.4 (MANE Select); coding-DNA position 1065, A replaced by G.
Protein change: p.Ala355=; no amino-acid change (alanine 355 retained).
Molecular consequence: synonymous variant.
Genome position (GRCh38, 1-based): chr9:99,144,823, A>G. VCF-style: chr9-99144823-A-G. GRCh37 (hg19) VCF-style: chr9-101907105-A-G.
Other names: c.1065A>G (NM_004612.2); c.834A>G, p.Ala278= (NM_001130916.3); c.1077A>G, p.Ala359= (NM_001306210.2).
Identifiers: ClinVar variation 928431 (VCV000928431.10), dbSNP rs758280185, ClinGen allele CA043833.